The following is an entry in ClinVar:

ClinVar aggregate classification (germline): Uncertain significance (1 of 4 stars; one submission).

Allele frequency attached by ClinVar (database versions not stated): TOPMed below 0.00001.

Submission:

Athena Diagnostics
Classification: Uncertain significance. Last evaluated: 2022-10-26. Review status: criteria provided, single submitter. Criteria: Athena Diagnostics Criteria. Collection method: clinical testing. Allele origin: unknown.
Comment: Available data are insufficient to determine the clinical significance of the variant at this time. This variant has not been reported in large, multi-ethnic general populations. Computational tools predict that this variant is not damaging.

NM_020247.5(COQ8A):c.1670A>G (p.Asp557Gly)

Gene: COQ8A (coenzyme Q8A; plus strand). Cytogenetic location: 1q42.13.
Variant type: single nucleotide variant.
Coding change: c.1670A>G on transcript NM_020247.5 (MANE Select); coding-DNA position 1670, A replaced by G.
Protein change: p.Asp557Gly; replaces aspartic acid 557 with glycine.
Molecular consequence: missense variant.
Genome position (GRCh38, 1-based): chr1:226,986,463, A>G. VCF-style: chr1-226986463-A-G. GRCh37 (hg19) VCF-style: chr1-227174164-A-G.
Other names: short protein forms D557G.
Identifiers: ClinVar variation 2684206 (VCV002684206.1), dbSNP rs1660120661, ClinGen allele CA345056695.
Genomic context (GRCh38, chr1:226,986,463, plus strand): 5'-TGGAGGGCTCTGGTGTCTCGCCGCCATTTATCCTTCCTCTCTTGCCCCAGGTCATGGAAG[A>G]CGCCCACTTGGATGCCATCCTCATCCTGGGGGAGGCCTTCGCCTCTGATGAGCCTTTTGA-3'
Protein context (NP_064632.2, residues 547-567): LTGYEVKVME[Asp557Gly]AHLDAILILG